The following is an entry in ClinVar:

NM_001349206.2(LPIN1):c.1228A>G (p.Thr410Ala)

Gene: LPIN1 (lipin 1; plus strand). Cytogenetic location: 2p25.1.
Variant type: single nucleotide variant.
Coding change: c.1228A>G on transcript NM_001349206.2 (MANE Select); coding-DNA position 1228, A replaced by G.
Protein change: p.Thr410Ala; replaces threonine 410 with alanine.
Molecular consequence: missense variant. On other transcripts: non-coding transcript variant (1).
Genome position (GRCh38, 1-based): chr2:11,782,471, A>G. VCF-style: chr2-11782471-A-G. GRCh37 (hg19) VCF-style: chr2-11922597-A-G.
Other names: c.1138A>G, p.Thr380Ala (NM_001261427.3); c.1375A>G, p.Thr459Ala (NM_001261428.3); c.1120A>G, p.Thr374Ala (NM_001349199.2, NM_001349200.2, NM_001349201.2 and 1 more transcripts); c.1225A>G, p.Thr409Ala (NM_001349202.2, NM_001349203.2); c.1228A>G, p.Thr410Ala (NM_001349204.2, NM_001349205.2); c.1318A>G, p.Thr440Ala (NM_001349207.2); c.1267A>G, p.Thr423Ala (NM_001349208.2); short protein forms T410A, T423A, T440A, T459A, T374A, T380A, T409A.
Identifiers: ClinVar variation 2155187 (VCV002155187.3), dbSNP rs914064641, ClinGen allele CA42603765.

ClinVar aggregate classification (germline): Uncertain significance (1 of 4 stars; one submission).

Allele frequency attached by ClinVar (database versions not stated): gnomAD exomes below 0.00001; gnomAD 0.00001.
gnomAD v4.1: 3 of 1,614,064 alleles (0.00019%); highest among the groups gnomAD compares: Admixed American, 0.005%; no homozygotes.

Submission:

Labcorp Genetics (formerly Invitae), Labcorp
Classification: Uncertain significance. Last evaluated: 2022-02-23. Review status: criteria provided, single submitter. Criteria: Invitae Variant Classification Sherloc (09022015). Collection method: clinical testing. Allele origin: germline.
Comment: This variant has not been reported in the literature in individuals affected with LPIN1-related conditions. This sequence change replaces threonine, which is neutral and polar, with alanine, which is neutral and non-polar, at codon 374 of the LPIN1 protein (p.Thr374Ala). The frequency data for this variant in the population databases is considered unreliable, as metrics indicate poor data quality at this position in the gnomAD database. Algorithms developed to predict the effect of missense changes on protein structure and function output the following: SIFT: "Tolerated"; PolyPhen-2: "Benign"; Align-GVGD: "Class C0". The alanine amino acid residue is found in multiple mammalian species, which suggests that this missense change does not adversely affect protein function. In summary, the available evidence is currently insufficient to determine the role of this variant in disease. Therefore, it has been classified as a Variant of Uncertain Significance.